The following is an entry in ClinVar:

NM_000540.3(RYR1):c.10998C>T (p.Asp3666=)

Gene: RYR1 (ryanodine receptor 1; plus strand). Cytogenetic location: 19q13.2.
Variant type: single nucleotide variant.
Coding change: c.10998C>T on transcript NM_000540.3 (MANE Select); coding-DNA position 10998, C replaced by T.
Protein change: p.Asp3666=; no amino-acid change (aspartic acid 3666 retained).
Molecular consequence: synonymous variant.
Genome position (GRCh38, 1-based): chr19:38,528,659, C>T. VCF-style: chr19-38528659-C-T. GRCh37 (hg19) VCF-style: chr19-39019299-C-T.
Other names: c.10983C>T, p.Asp3661= (NM_001042723.2).
Identifiers: ClinVar variation 3075030 (VCV003075030.1), dbSNP rs149949301, ClinGen allele CA308082054.

ClinVar aggregate classification (germline): Likely benign (1 of 4 stars; one submission).

Conditions:
Malignant hyperthermia, susceptibility to, 1 (MHS1). Also called: Anesthesia related hyperthermia; Malignant hyperpyrexia; Fulminating hyperpyrexia; Pharmacogenic myopathy; RYR1-Related Malignant Hyperthermia Susceptibility; Malignant hyperthermia suceptibility 1. Identifiers: Orphanet 423, MedGen C2930980, MONDO:0007783, OMIM 145600.

Allele frequency attached by ClinVar (database versions not stated): gnomAD 0.00001; TOPMed 0.00001; ESP Exome Variant Server 0.00008.
gnomAD v4.1: 1 of 1,614,066 alleles (0.000062%); highest among the groups gnomAD compares: African/African-American, 0.0013%; no homozygotes.

Submission:

All of Us Research Program, National Institutes of Health
Classification: Likely benign for Malignant hyperthermia, susceptibility to, 1. Last evaluated: 2023-12-13. Review status: criteria provided, single submitter. Criteria: ACMG Guidelines, 2015. Collection method: clinical testing. Allele origin: germline. Inheritance: Autosomal dominant inheritance. Observed: 1 variant allele, 1 heterozygote.
Comment: This study involves interpretation of variants in research participants for the purpose of population health screening. Participant phenotype was not available at the time of variant classification. Additional details can be found in publication PMID: 35346344, PMCID: PMC8962531